The following is an entry in ClinVar:

ClinVar aggregate classification (germline): Pathogenic (1 of 4 stars; one submission).

Submission:

Labcorp Genetics (formerly Invitae), Labcorp
Classification: Pathogenic. Last evaluated: 2022-02-02. Review status: criteria provided, single submitter. Criteria: Invitae Variant Classification Sherloc (09022015). Collection method: clinical testing. Allele origin: germline.
Comment: This sequence change creates a premature translational stop signal (p.Arg1077Thrfs*20) in the EIF2AK4 gene. It is expected to result in an absent or disrupted protein product. Loss-of-function variants in EIF2AK4 are known to be pathogenic (PMID: 12215525, 24135949, 24292273, 24310610, 28972005, 29743074). This variant is not present in population databases (gnomAD no frequency). This variant has not been reported in the literature in individuals affected with EIF2AK4-related conditions. For these reasons, this variant has been classified as Pathogenic.

Literature cited by the submitters: PubMed 12215525; PubMed 24135949; PubMed 24292273; PubMed 24310610; PubMed 28972005; PubMed 29743074.

NM_001013703.4(EIF2AK4):c.3228_3229del (p.Arg1077fs)

Gene: EIF2AK4 (eukaryotic translation initiation factor 2 alpha kinase 4; plus strand). Cytogenetic location: 15q15.1.
Variant type: Deletion.
Coding change: c.3228_3229del on transcript NM_001013703.4 (MANE Select); coding-DNA positions 3228 to 3229, 2 bases deleted (AA; older notation c.3228_3229delAA).
Protein change: p.Arg1077fs; shifts the reading frame from arginine 1077.
Molecular consequence: frameshift variant.
Genome position (GRCh38, 1-based): chr15:40,002,781-40,002,782, AA deleted; deleting any 2 consecutive bases within chr15:40,002,779-40,002,782 gives the same sequence; the c. name uses the placement nearest the transcript's 3' end. VCF-style (leftmost placement, unchanged base first): chr15-40002778-TAA-T. GRCh37 (hg19) VCF-style: chr15-40294979-TAA-T.
Other names: short protein forms R1077fs.
Identifiers: ClinVar variation 2091689 (VCV002091689.4), dbSNP rs2504609565, ClinGen allele CA2580089330.